The following is an entry in ClinVar:

NM_000540.3(RYR1):c.6275-11C>G

Gene: RYR1 (ryanodine receptor 1; plus strand). Cytogenetic location: 19q13.2.
Variant type: single nucleotide variant.
Coding change: c.6275-11C>G on transcript NM_000540.3 (MANE Select); 11 bases into the intron before coding-DNA position 6275, C replaced by G.
Molecular consequence: intron variant.
Genome position (GRCh38, 1-based): chr19:38,494,341, C>G. VCF-style: chr19-38494341-C-G. GRCh37 (hg19) VCF-style: chr19-38984981-C-G.
Other names: c.6275-11C>G (NM_001042723.2).
Identifiers: ClinVar variation 2892822 (VCV002892822.5), dbSNP rs766560974, ClinGen allele CA2576770880.
Genomic context (GRCh38, chr19:38,494,341, plus strand): 5'-TTCTGGTCCAAGGCCCCATGTGCCGACCTGCCCTGCATGGTGCTCCAAGCCTTGCATTGT[C>G]TCCTTCCCAGGGTCCCTGCAGGAGCTGGTGTCCCACATGGTGGTGCGCTGGGCCCAAGAG-3'

ClinVar aggregate classification (germline): Conflicting classifications of pathogenicity. Review status: criteria provided, conflicting classifications (1 of 4 stars). 3 submissions from 3 submitters: Uncertain significance (1); Likely benign (2). Last evaluated 2025-09-09.

Conditions:
RYR1-related disorder. Also called: RYR1-related disorders; RYR1-related condition. Identifiers: MedGen CN239331.
Malignant hyperthermia, susceptibility to, 1 (MHS1). Also called: Anesthesia related hyperthermia; Malignant hyperpyrexia; Fulminating hyperpyrexia; Pharmacogenic myopathy; RYR1-Related Malignant Hyperthermia Susceptibility; Malignant hyperthermia suceptibility 1. Identifiers: Orphanet 423, MedGen C2930980, MONDO:0007783, OMIM 145600.

Submissions (3):

Color Diagnostics, LLC DBA Color Health
Classification: Likely benign for Malignant hyperthermia, susceptibility to, 1. Last evaluated: 2025-09-09. Review status: criteria provided, single submitter. Criteria: ACMG Guidelines, 2015. Collection method: clinical testing. Allele origin: germline.

Labcorp Genetics (formerly Invitae), Labcorp
Classification: Likely benign for RYR1-related disorder. Last evaluated: 2023-07-08. Review status: criteria provided, single submitter. Criteria: Invitae Variant Classification Sherloc (09022015). Collection method: clinical testing. Allele origin: germline.

All of Us Research Program, National Institutes of Health
Classification: Uncertain significance for Malignant hyperthermia, susceptibility to, 1. Last evaluated: 2023-05-04. Review status: criteria provided, single submitter. Criteria: ACMG Guidelines, 2015. Collection method: clinical testing. Allele origin: germline. Inheritance: Autosomal dominant inheritance. Observed: 1 variant allele, 1 heterozygote.
Comment: This variant causes a C to G nucleotide substitution at the -11 position of intron 38 of the RYR1 gene. To our knowledge, functional studies have not been reported for this variant. This variant has not been reported in individuals affected with RYR1-related disorders in the literature. This variant has not been identified in the general population by the Genome Aggregation Database (gnomAD). The available evidence is insufficient to determine the role of this variant in disease conclusively. Therefore, this variant is classified as a Variant of Uncertain Significance.

This study involves interpretation of variants in research participants for the purpose of population health screening. Participant phenotype was not available at the time of variant classification. Additional details can be found in publication PMID: 35346344, PMCID: PMC8962531